The following is an entry in ClinVar:

ClinVar aggregate classification (germline): Benign/Likely benign. Review status: criteria provided, multiple submitters, no conflicts (2 of 4 stars). 4 submissions from 4 submitters: Benign (1); Likely benign (3). Last evaluated 2025-12-24.

Allele frequency attached by ClinVar (database versions not stated): gnomAD 0.00027 and 0.00030; TOPMed 0.00027; gnomAD exomes 0.00037 and 0.00051; 1000 Genomes Project 0.00040; ESP Exome Variant Server 0.00046; 1000 Genomes Project 30x 0.00047; ExAC 0.00049.
gnomAD v4.1: 588 of 1,614,128 alleles (0.036%); highest among the groups gnomAD compares: South Asian, 0.17%; no homozygotes.

Submissions (4):

Labcorp Genetics (formerly Invitae), Labcorp
Classification: Likely benign. Last evaluated: 2025-12-24. Review status: criteria provided, single submitter. Criteria: Invitae Variant Classification Sherloc (09022015). Collection method: clinical testing. Allele origin: germline.

CeGaT Center for Human Genetics Tuebingen
Classification: Likely benign. Last evaluated: 2024-12-01. Review status: criteria provided, single submitter. Criteria: CeGaT Center For Human Genetics Tuebingen Variant Classification Criteria Version 2. Collection method: clinical testing. Allele origin: germline. Affected: yes. Observed: 1 variant allele.
Comment: PDSS1: BP4, BP7

Blueprint Genetics
Classification: Likely benign. Last evaluated: 2024-11-27. Review status: criteria provided, single submitter. Criteria: ACMG Guidelines, 2015. Collection method: clinical testing. Allele origin: germline.

GeneDx
Classification: Benign. Last evaluated: 2014-04-15. Review status: criteria provided, single submitter. Criteria: GeneDx Variant Classification (06012015). Collection method: clinical testing. Allele origin: germline. Affected: yes.
Comment: This variant is considered likely benign or benign based on one or more of the following criteria: it is a conservative change, it occurs at a poorly conserved position in the protein, it is predicted to be benign by multiple in silico algorithms, and/or has population frequency not consistent with disease.

NM_014317.5(PDSS1):c.540T>C (p.Asp180=)

Gene: PDSS1 (decaprenyl diphosphate synthase subunit 1; plus strand). Cytogenetic location: 10p12.1.
Variant type: single nucleotide variant.
Coding change: c.540T>C on transcript NM_014317.5 (MANE Select); coding-DNA position 540, T replaced by C.
Protein change: p.Asp180=; no amino-acid change (aspartic acid 180 retained).
Molecular consequence: synonymous variant.
Genome position (GRCh38, 1-based): chr10:26,720,290, T>C. VCF-style: chr10-26720290-T-C. GRCh37 (hg19) VCF-style: chr10-27009219-T-C.
Other names: p.D180D:GAT>GAC; c.540T>C, p.Asp180= (NM_001321978.2); c.30T>C, p.Asp10= (NM_001321979.2).
Identifiers: ClinVar variation 138682 (VCV000138682.26), dbSNP rs146170591, ClinGen allele CA292766.